The following is an entry in ClinVar:

NM_032242.4(PLXNA1):c.1886C>T (p.Thr629Met)

Gene: PLXNA1 (plexin A1; plus strand). Cytogenetic location: 3q21.3.
Variant type: single nucleotide variant.
Coding change: c.1886C>T on transcript NM_032242.4 (MANE Select); coding-DNA position 1886, C replaced by T.
Protein change: p.Thr629Met; replaces threonine 629 with methionine.
Molecular consequence: missense variant.
Genome position (GRCh38, 1-based): chr3:127,005,232, C>T. VCF-style: chr3-127005232-C-T. GRCh37 (hg19) VCF-style: chr3-126724075-C-T.
Other names: c.1886C>T (NM_032242.3); short protein forms T629M.
Identifiers: ClinVar variation 2571183 (VCV002571183.27), dbSNP rs574788327, ClinGen allele CA2593393.

ClinVar aggregate classification (germline): Uncertain significance. Review status: criteria provided, multiple submitters, no conflicts (2 of 4 stars). 3 submissions from 3 submitters: Uncertain significance (2). 1 of the submissions does not count toward it. Last evaluated 2025-10-30.

Conditions:
PLXNA1-related disorder. Also called: PLXNA1-related condition.

Allele frequency attached by ClinVar (database versions not stated): gnomAD exomes 0.00002; gnomAD 0.00003; TOPMed 0.00003; ExAC 0.00008; 1000 Genomes Project 0.00040; 1000 Genomes Project 30x 0.00047.
gnomAD v4.1: 34 of 1,607,380 alleles (0.0021%); highest among the groups gnomAD compares: South Asian, 0.017%; no homozygotes.

Submissions (3):

Ambry Genetics
Classification: Uncertain significance. Last evaluated: 2025-10-30. Review status: criteria provided, single submitter. Criteria: Ambry Variant Classification Scheme 2023. Collection method: clinical testing. Allele origin: germline.

CeGaT Center for Human Genetics Tuebingen
Classification: Uncertain significance. Last evaluated: 2023-04-01. Review status: criteria provided, single submitter. Criteria: CeGaT Center For Human Genetics Tuebingen Variant Classification Criteria Version 2. Collection method: clinical testing. Allele origin: germline. Affected: yes. Observed: 1 variant allele.
Comment: PLXNA1: PM2

PreventionGenetics, part of Exact Sciences
Classification: Uncertain significance for PLXNA1-related condition. Last evaluated: 2024-05-31. Review status: no assertion criteria provided. Collection method: clinical testing. Allele origin: germline. Not counted in ClinVar's aggregate classification.
Comment: The PLXNA1 c.1886C>T variant is predicted to result in the amino acid substitution p.Thr629Met. To our knowledge, this variant has not been reported in the literature. This variant is reported in 0.020% of alleles in individuals of South Asian descent in gnomAD. At this time, the clinical significance of this variant is uncertain due to the absence of conclusive functional and genetic evidence.